The following is an entry in ClinVar:

ClinVar aggregate classification (germline): Benign/Likely benign. Review status: criteria provided, multiple submitters, no conflicts (2 of 4 stars). 7 submissions from 7 submitters: Benign (4); Likely benign (3). Last evaluated 2026-04-01.

Conditions:
Triglyceride storage disease with ichthyosis (CDS). Also called: Dorfman-Chanarin disease; ICHTHYOSIFORM ERYTHRODERMA WITH LEUKOCYTE VACUOLATION; Chanarin-Dorfman Syndrome; TRIGLYCERIDE STORAGE DISEASE WITH IMPAIRED LONG-CHAIN FATTY ACID OXIDATION. Identifiers: Orphanet 98907, MedGen C0268238, MONDO:0010155, OMIM 275630.

Allele frequency attached by ClinVar (database versions not stated): ESP Exome Variant Server 0.00930; 1000 Genomes Project 0.00260; 1000 Genomes Project 30x 0.00265; TOPMed 0.00668; gnomAD exomes 0.00777; gnomAD 0.00793; ExAC 0.00829.
gnomAD v4.1: 16,779 of 1,614,200 alleles (1%); highest among the groups gnomAD compares: Non-Finnish European, 1.2%; 131 homozygotes.

Submissions (7):

CeGaT Center for Human Genetics Tuebingen
Classification: Benign. Last evaluated: 2026-04-01. Review status: criteria provided, single submitter. Criteria: CeGaT Center For Human Genetics Tuebingen Variant Classification Criteria Version 2. Collection method: clinical testing. Allele origin: germline. Affected: yes. Observed: 20 variant alleles.
Comment: ABHD5: BS1, BS2

Labcorp Genetics (formerly Invitae), Labcorp
Classification: Benign. Last evaluated: 2026-02-01. Review status: criteria provided, single submitter. Criteria: Invitae Variant Classification Sherloc (09022015). Collection method: clinical testing. Allele origin: germline.

Mayo Clinic Laboratories, Mayo Clinic
Classification: Benign. Last evaluated: 2024-02-28. Review status: criteria provided, single submitter. Criteria: ACMG Guidelines, 2015. Collection method: clinical testing. Allele origin: germline. Observed: 19 variant alleles.

GeneDx
Classification: Likely benign. Last evaluated: 2021-02-14. Review status: criteria provided, single submitter. Criteria: GeneDx Variant Classification Process June 2021. Collection method: clinical testing. Allele origin: germline. Affected: yes.

Center for Pediatric Genomic Medicine, Children's Mercy Hospital and Clinics
Classification: Likely benign. Last evaluated: 2017-06-14. Review status: criteria provided, single submitter. Criteria: ACMG Guidelines, 2015. Collection method: clinical testing. Allele origin: germline.

Illumina Laboratory Services, Illumina
Classification: Benign for Triglyceride storage disease with ichthyosis. Last evaluated: 2017-04-27. Review status: criteria provided, single submitter. Criteria: ICSL Variant Classification Criteria 13 December 2019. Collection method: clinical testing. Allele origin: germline.
Comment: This variant was observed as part of a predisposition screen in an ostensibly healthy population. A literature search was performed for the gene, cDNA change, and amino acid change (where applicable). Publications were found based on this search. The evidence from the literature, in combination with allele frequency data from public databases where available, was sufficient to rule this variant out of causing disease. Therefore, this variant is classified as benign.

Breakthrough Genomics
Classification: Likely benign. Review status: criteria provided, single submitter. Criteria: ACMG Guidelines, 2015. Collection method: not provided. Allele origin: germline. Inheritance: Autosomal recessive inheritance. Affected: yes.

Literature cited by the submitters: PubMed 27025581 (cited by Illumina Laboratory Services, Illumina).

NM_016006.6(ABHD5):c.341G>T (p.Arg114Leu)

Gene: ABHD5 (abhydrolase domain containing 5, lysophosphatidic acid acyltransferase; plus strand). Cytogenetic location: 3p21.33.
Variant type: single nucleotide variant.
Coding change: c.341G>T on transcript NM_016006.6 (MANE Select); coding-DNA position 341, G replaced by T.
Protein change: p.Arg114Leu; replaces arginine 114 with leucine.
Molecular consequence: missense variant. On other transcripts: non-coding transcript variant (1).
Genome position (GRCh38, 1-based): chr3:43,702,422, G>T. VCF-style: chr3-43702422-G-T. GRCh37 (hg19) VCF-style: chr3-43743914-G-T.
Other names: p.Arg114Leu; c.341G>T, p.Arg114Leu (NM_001355186.2, NM_001365650.1); c.218G>T, p.Arg73Leu (NM_001365649.1); short protein forms R114L, R73L.
Identifiers: ClinVar variation 445947 (VCV000445947.48), dbSNP rs148743497, ClinGen allele CA2341319.